The following is an entry in ClinVar:

ClinVar aggregate classification (germline): Likely pathogenic (1 of 4 stars; one submission).

Conditions:
Neurofibromatosis, type 1 (NF1). Also called: Peripheral type neurofibromatosis; Neurofibromatosis, type I; NEUROFIBROMATOSIS, TYPE I, SOMATIC; VON RECKLINGHAUSEN DISEASE. Identifiers: Orphanet 636, MedGen C0027831, MONDO:0018975, OMIM 162200. Disease mechanism: loss of function.

Submission:

Greenwood Genetic Center Diagnostic Laboratories, Greenwood Genetic Center
Classification: Likely pathogenic for Neurofibromatosis, type 1. Last evaluated: 2025-12-09. Review status: criteria provided, single submitter. Criteria: ACMG Guidelines, 2015. Collection method: clinical testing. Allele origin: germline. Affected: yes.
Comment: PM1, PM2, PM5_Supporting, PP2, PP3

NM_001042492.3(NF1):c.4383G>T (p.Met1461Ile)

Gene: NF1 (neurofibromin 1; plus strand). Cytogenetic location: 17q11.2.
Variant type: single nucleotide variant.
Coding change: c.4383G>T on transcript NM_001042492.3 (MANE Select); coding-DNA position 4383, G replaced by T.
Protein change: p.Met1461Ile; replaces methionine 1461 with isoleucine.
Molecular consequence: missense variant.
Genome position (GRCh38, 1-based): chr17:31,259,082, G>T. VCF-style: chr17-31259082-G-T. GRCh37 (hg19) VCF-style: chr17-29586100-G-T.
Other names: c.4320G>T, p.Met1440Ile (NM_000267.4); short protein forms M1440I, M1461I.
Identifiers: ClinVar variation 4845519 (VCV004845519.1).